The following is an entry in ClinVar:

NM_001042492.3(NF1):c.240T>G (p.Tyr80Ter)

Gene: NF1 (neurofibromin 1; plus strand). Cytogenetic location: 17q11.2.
Variant type: single nucleotide variant.
Coding change: c.240T>G on transcript NM_001042492.3 (MANE Select); coding-DNA position 240, T replaced by G.
Protein change: p.Tyr80Ter; replaces tyrosine 80 with a stop codon.
Molecular consequence: nonsense.
Genome position (GRCh38, 1-based): chr17:31,159,045, T>G. VCF-style: chr17-31159045-T-G. GRCh37 (hg19) VCF-style: chr17-29486063-T-G.
Other names: c.240T>G, p.Tyr80Ter (NM_000267.4, NM_001128147.3); short protein forms Y80*.
Identifiers: ClinVar variation 3237679 (VCV003237679.1), dbSNP rs2143645944.

ClinVar aggregate classification (germline): Pathogenic (1 of 4 stars; one submission).

Conditions:
Hereditary cancer-predisposing syndrome. Also called: Neoplastic Syndromes, Hereditary; Tumor predisposition; Hereditary neoplastic syndrome; Hereditary Cancer Syndrome. Identifiers: Orphanet 140162, MedGen C0027672, MeSH D009386, MONDO:0015356.
Cardiovascular phenotype. Identifiers: MedGen CN230736.

Submission:

Ambry Genetics
Classification: Pathogenic for Cardiovascular phenotype; Hereditary cancer-predisposing syndrome. Last evaluated: 2023-04-25. Review status: criteria provided, single submitter. Criteria: Ambry Variant Classification Scheme 2023. Collection method: clinical testing. Allele origin: germline.
Comment: The p.Y80* pathogenic mutation (also known as c.240T>G), located in coding exon 3 of the NF1 gene, results from a T to G substitution at nucleotide position 240. This changes the amino acid from a tyrosine to a stop codon within coding exon 3. This variant is considered to be rare based on population cohorts in the Genome Aggregation Database (gnomAD). This alteration is expected to result in loss of function by premature protein truncation or nonsense-mediated mRNA decay. As such, this alteration is interpreted as a disease-causing mutation.